The following is an entry in ClinVar:

NM_000128.4(F11):c.1552G>T (p.Gly518Ter)

Genes: F11 (coagulation factor XI; plus strand), F11-AS1 (F11 antisense RNA 1; minus strand). Cytogenetic location: 4q35.2.
Variant type: single nucleotide variant.
Coding change: c.1552G>T on transcript NM_000128.4 (MANE Select); coding-DNA position 1552, G replaced by T.
Protein change: p.Gly518Ter; replaces glycine 518 with a stop codon.
Molecular consequence: nonsense. On other transcripts: intron variant (4).
Genome position (GRCh38, 1-based): chr4:186,286,486, G>T. VCF-style: chr4-186286486-G-T. GRCh37 (hg19) VCF-style: chr4-187207640-G-T.
Other names: c.1504G>T, p.Gly502Ter (NM_001440590.1); c.1282G>T, p.Gly428Ter (NM_001440605.1); c.1234G>T, p.Gly412Ter (NM_001440606.1); c.1480+673G>T (NM_001440593.1); c.1432+673G>T (NM_001440596.1); c.1210+673G>T (NM_001440607.1); c.1162+673G>T (NM_001440608.1); short protein forms G412*, G428*, G502*, G518*.
Identifiers: ClinVar variation 5013616 (VCV005013616.1).

ClinVar aggregate classification (germline): Pathogenic (1 of 4 stars; one submission).

Conditions:
Hereditary factor XI deficiency disease. Also called: PLASMA THROMBOPLASTIN ANTECEDENT DEFICIENCY; PTA DEFICIENCY; ROSENTHAL SYNDROME; Congenital factor XI deficiency. Identifiers: Orphanet 329, MedGen C0015523, MeSH D005173, MONDO:0012897, OMIM 612416.

Submission:

Myriad Genetics, Inc.
Classification: Pathogenic for Hereditary factor XI deficiency disease. Last evaluated: 2024-05-14. Review status: criteria provided, single submitter. Criteria: Myriad Autosomal Dominant, Autosomal Recessive and X-Linked Classification Criteria (2023). Collection method: clinical testing. Allele origin: unknown.
Comment: NM_000128.3(F11):c.1552G>T(G518*) is expected to be pathogenic in the context of factor XI deficiency. This variant is predicted to lead to an abnormal or absent protein product due to the creation of a premature termination codon in F11, a gene where loss-of-function variants are known to be pathogenic. Please note: this variant was assessed in the context of healthy population screening.